The following is an entry in ClinVar:

NM_177924.5(ASAH1):c.749G>C (p.Gly250Ala)

Gene: ASAH1 (N-acylsphingosine amidohydrolase 1; minus strand). Cytogenetic location: 8p22.
Variant type: single nucleotide variant.
Coding change: c.749G>C on transcript NM_177924.5 (MANE Select); coding-DNA position 749, G replaced by C.
Protein change: p.Gly250Ala; replaces glycine 250 with alanine.
Molecular consequence: missense variant.
Genome position (GRCh38, 1-based): chr8:18,061,413, C>G on the plus strand (G>C on the coding strand, the complement: ASAH1 is on the minus strand). VCF-style: chr8-18061413-C-G. GRCh37 (hg19) VCF-style: chr8-17918922-C-G.
Other names: c.731G>C, p.Gly244Ala (NM_001127505.3); c.554G>C, p.Gly185Ala (NM_001363743.2); c.797G>C, p.Gly266Ala (NM_004315.6); short protein forms G185A, G250A, G244A, G266A.
Identifiers: ClinVar variation 1361569 (VCV001361569.7), dbSNP rs1239363191, ClinGen allele CA370429357.
Genomic context (GRCh38, chr8:18,061,413, plus strand): 5'-TAGTAAAGCAACGAAACACTTTACCTTGTGCTATTTTCCAGAACTGTTCTAGTGAGGAAC[C>G]CTATCCACATGACATCTTTCTTTCCCAGAATCCATTCTAGAATACCTGGAAGAGATGAAC-3'
Protein context (NP_808592.2, residues 240-260): ILGKKDVMWI[Gly250Ala]FLTRTVLENS

ClinVar aggregate classification (germline): Uncertain significance (1 of 4 stars; one submission).

Submission:

Labcorp Genetics (formerly Invitae), Labcorp
Classification: Uncertain significance. Last evaluated: 2020-12-31. Review status: criteria provided, single submitter. Criteria: Invitae Variant Classification Sherloc (09022015). Collection method: clinical testing. Allele origin: germline.
Comment: In summary, the available evidence is currently insufficient to determine the role of this variant in disease. Therefore, it has been classified as a Variant of Uncertain Significance. Algorithms developed to predict the effect of missense changes on protein structure and function are either unavailable or do not agree on the potential impact of this missense change (SIFT: "Tolerated"; PolyPhen-2: "Possibly Damaging"; Align-GVGD: "Class C0"). This variant has not been reported in the literature in individuals with ASAH1-related conditions. This variant is not present in population databases (ExAC no frequency). This sequence change replaces glycine with alanine at codon 250 of the ASAH1 protein (p.Gly250Ala). The glycine residue is moderately conserved and there is a small physicochemical difference between glycine and alanine.